The following is an entry in ClinVar:

ClinVar aggregate classification (germline): Benign. Review status: criteria provided, multiple submitters, no conflicts (2 of 4 stars). 3 submissions from 3 submitters: Benign (3). Last evaluated 2026-02-01.

Conditions:
Immunodeficiency 19 (IMD19). Also called: CD3-DELTA DEFICIENCY; SEVERE COMBINED IMMUNODEFICIENCY, T CELL-NEGATIVE, B CELL-POSITIVE, NK CELL-POSITIVE; SCID, T CELL-NEGATIVE, B CELL-POSITIVE, NK CELL-POSITIVE; IMMUNODEFICIENCY 19, SEVERE COMBINED. Identifiers: MedGen C3810147, MONDO:0014280, OMIM 615617.

Allele frequency attached by ClinVar (database versions not stated): gnomAD exomes 0.00135 and 0.00337; ExAC 0.00405; gnomAD 0.01296 and 0.01380; 1000 Genomes Project 0.01338; 1000 Genomes Project 30x 0.01452; TOPMed 0.01522; ESP Exome Variant Server 0.01547.
gnomAD v4.1: 4,026 of 1,613,618 alleles (0.25%); highest among the groups gnomAD compares: African/African-American, 4.7%; 101 homozygotes.

Submissions (3):

Labcorp Genetics (formerly Invitae), Labcorp
Classification: Benign for Immunodeficiency 19. Last evaluated: 2026-02-01. Review status: criteria provided, single submitter. Criteria: Invitae Variant Classification Sherloc (09022015). Collection method: clinical testing. Allele origin: germline.

GeneDx
Classification: Benign. Last evaluated: 2013-01-14. Review status: criteria provided, single submitter. Criteria: GeneDx Variant Classification (06012015). Collection method: clinical testing. Allele origin: germline. Affected: yes.
Comment: This variant is considered likely benign or benign based on one or more of the following criteria: it is a conservative change, it occurs at a poorly conserved position in the protein, it is predicted to be benign by multiple in silico algorithms, and/or has population frequency not consistent with disease.

Breakthrough Genomics
Classification: Benign. Review status: criteria provided, single submitter. Criteria: ACMG Guidelines, 2015. Collection method: not provided. Allele origin: germline. Inheritance: Autosomal recessive inheritance. Affected: yes.

NM_000732.6(CD3D):c.406+18G>A

Gene: CD3D (CD3 delta subunit of T-cell receptor complex; minus strand). Cytogenetic location: 11q23.3.
Variant type: single nucleotide variant.
Coding change: c.406+18G>A on transcript NM_000732.6 (MANE Select); 18 bases into the intron after coding-DNA position 406, G replaced by A.
Molecular consequence: intron variant.
Genome position (GRCh38, 1-based): chr11:118,339,757, C>T on the plus strand (G>A on the coding strand, the complement: CD3D is on the minus strand). VCF-style: chr11-118339757-C-T. GRCh37 (hg19) VCF-style: chr11-118210472-C-T.
Other names: c.275-263G>A (NM_001040651.2).
Identifiers: ClinVar variation 136688 (VCV000136688.11), dbSNP rs28606580, ClinGen allele CA289995.